The following is an entry in ClinVar:

NM_000780.4(CYP7A1):c.1297T>A (p.Tyr433Asn)

Gene: CYP7A1 (cytochrome P450 family 7 subfamily A member 1; minus strand). Cytogenetic location: 8q12.1.
Variant type: single nucleotide variant.
Coding change: c.1297T>A on transcript NM_000780.4 (MANE Select); coding-DNA position 1297, T replaced by A.
Protein change: p.Tyr433Asn; replaces tyrosine 433 with asparagine.
Molecular consequence: missense variant.
Genome position (GRCh38, 1-based): chr8:58,491,693, A>T on the plus strand (T>A on the coding strand, the complement: CYP7A1 is on the minus strand). VCF-style: chr8-58491693-A-T. GRCh37 (hg19) VCF-style: chr8-59404252-A-T.
Other names: short protein forms Y433N.
Identifiers: ClinVar variation 4745290 (VCV004745290.1).

ClinVar aggregate classification (germline): Uncertain significance (1 of 4 stars; one submission).

gnomAD v4.1: 7 of 1,613,730 alleles (0.00043%); highest among the groups gnomAD compares: Non-Finnish European, 0.00051%; no homozygotes.

Submission:

Labcorp Genetics (formerly Invitae), Labcorp
Classification: Uncertain significance. Last evaluated: 2025-09-16. Review status: criteria provided, single submitter. Criteria: Invitae Variant Classification Sherloc (09022015). Collection method: clinical testing. Allele origin: germline.
Comment: This sequence change replaces tyrosine, which is neutral and polar, with asparagine, which is neutral and polar, at codon 433 of the CYP7A1 protein (p.Tyr433Asn). This variant is not present in population databases (gnomAD no frequency). This variant has not been reported in the literature in individuals affected with CYP7A1-related conditions. Invitae Evidence Modeling of protein sequence and biophysical properties (such as structural, functional, and spatial information, amino acid conservation, physicochemical variation, residue mobility, and thermodynamic stability) indicates that this missense variant is not expected to disrupt CYP7A1 protein function with a negative predictive value of 80%. In summary, the available evidence is currently insufficient to determine the role of this variant in disease. Therefore, it has been classified as a Variant of Uncertain Significance.